The following is an entry in ClinVar:

ClinVar aggregate classification (germline): Uncertain significance. Review status: criteria provided, multiple submitters, no conflicts (2 of 4 stars). 7 submissions from 7 submitters: Uncertain significance (7). Last evaluated 2026-01-16.

Conditions:
FLNC-related disorder. Also called: FLNC-related condition; FLNC-related disorders.
Hypertrophic cardiomyopathy 26. Also called: Cardiomyopathy, familial hypertrophic, 26. Identifiers: Orphanet 75249, MedGen C4310749, MONDO:0014883, OMIM 617047.
Myofibrillar myopathy 5. Also called: Filaminopathy (type); FILAMINOPATHY, AUTOSOMAL DOMINANT. Identifiers: Orphanet 171445, MedGen C1836050, MONDO:0012289, OMIM 609524.
Distal myopathy with posterior leg and anterior hand involvement. Also called: WILLIAMS DISTAL MYOPATHY. Identifiers: Orphanet 63273, MedGen C3279722, MONDO:0013550, OMIM 614065.
Cardiovascular phenotype. Identifiers: MedGen CN230736.

Allele frequency attached by ClinVar (database versions not stated): ExAC 0.00001; gnomAD exomes 0.00001; TOPMed 0.00001; gnomAD 0.00002.
gnomAD v4.1: 13 of 1,613,956 alleles (0.00081%); highest among the groups gnomAD compares: East Asian, 0.0022%; no homozygotes.

Submissions (7):

GeneDx
Classification: Uncertain significance. Last evaluated: 2026-01-16. Review status: criteria provided, single submitter. Criteria: GeneDx Variant Classification Process June 2021. Collection method: clinical testing. Allele origin: germline.
Comment: Has not been previously published as pathogenic or benign to our knowledge; In silico analysis supports that this missense variant has a deleterious effect on protein structure/function; Not observed at significant frequency in large population cohorts (gnomAD)

Labcorp Genetics (formerly Invitae), Labcorp
Classification: Uncertain significance for Distal myopathy with posterior leg and anterior hand involvement; Myofibrillar myopathy 5; Hypertrophic cardiomyopathy 26. Last evaluated: 2025-09-06. Review status: criteria provided, single submitter. Criteria: Invitae Variant Classification Sherloc (09022015). Collection method: clinical testing. Allele origin: germline.
Comment: This sequence change replaces arginine, which is basic and polar, with histidine, which is basic and polar, at codon 334 of the FLNC protein (p.Arg334His). This variant is present in population databases (rs779347920, gnomAD 0.003%). This variant has not been reported in the literature in individuals affected with FLNC-related conditions. ClinVar contains an entry for this variant (Variation ID: 810183). Invitae Evidence Modeling of protein sequence and biophysical properties (such as structural, functional, and spatial information, amino acid conservation, physicochemical variation, residue mobility, and thermodynamic stability) has been performed for this missense variant. However, the output from this modeling did not meet the statistical confidence thresholds required to predict the impact of this variant on FLNC protein function. In summary, the available evidence is currently insufficient to determine the role of this variant in disease. Therefore, it has been classified as a Variant of Uncertain Significance.

Molecular Diagnostic Laboratory for Inherited Cardiovascular Disease, Montreal Heart Institute
Classification: Uncertain significance for Cardiovascular phenotype. Last evaluated: 2025-04-09. Review status: criteria provided, single submitter. Criteria: ACMG Guidelines, 2015. Collection method: clinical testing. Allele origin: germline. Affected: yes.

PreventionGenetics, part of Exact Sciences
Classification: Uncertain significance for FLNC-related condition. Last evaluated: 2025-03-28. Review status: criteria provided, single submitter. Criteria: ACMG Guidelines, 2015. Collection method: clinical testing. Allele origin: germline.
Comment: The FLNC c.1001G>A variant is predicted to result in the amino acid substitution p.Arg334His. To our knowledge, this variant has not been reported in the literature. This variant is reported in 0.0033% of alleles in individuals of South Asian descent in gnomAD. At this time, the clinical significance of this variant is uncertain due to the absence of conclusive functional and genetic evidence.

Revvity Omics, Revvity
Classification: Uncertain significance. Last evaluated: 2024-09-18. Review status: criteria provided, single submitter. Criteria: ACMG Guidelines, 2015. Collection method: clinical testing. Allele origin: germline.

Blueprint Genetics
Classification: Uncertain significance. Last evaluated: 2024-01-17. Review status: criteria provided, single submitter. Criteria: ACMG Guidelines, 2015. Collection method: clinical testing. Allele origin: germline.

Ambry Genetics
Classification: Uncertain significance for Cardiovascular phenotype. Last evaluated: 2023-06-29. Review status: criteria provided, single submitter. Criteria: Ambry Variant Classification Scheme 2023. Collection method: clinical testing. Allele origin: germline.

NM_001458.5(FLNC):c.1001G>A (p.Arg334His)

Gene: FLNC (filamin C; plus strand). Cytogenetic location: 7q32.1.
Variant type: single nucleotide variant.
Coding change: c.1001G>A on transcript NM_001458.5 (MANE Select); coding-DNA position 1001, G replaced by A.
Protein change: p.Arg334His; replaces arginine 334 with histidine.
Molecular consequence: missense variant.
Genome position (GRCh38, 1-based): chr7:128,838,018, G>A. VCF-style: chr7-128838018-G-A. GRCh37 (hg19) VCF-style: chr7-128478072-G-A.
Other names: c.1001G>A, p.Arg334His (NM_001127487.2); short protein forms R334H.
Identifiers: ClinVar variation 810183 (VCV000810183.28), dbSNP rs779347920, ClinGen allele CA4474194.
Genomic context (GRCh38, chr7:128,838,018, plus strand): 5'-AGGCTTCCAATCTTTTTCCTTCCTAATAGGCTAAGGTGGTTCCCAACAATGACAAGGATC[G>A]CACCTATGCTGTCTCCTATGTGCCCAAGGTCGCTGGGTTACACAAGGTATCTCCCTCTAG-3'
Protein context (NP_001449.3, residues 324-344): AKVVPNNDKD[Arg334His]TYAVSYVPKV